The following is an entry in ClinVar:

ClinVar aggregate classification (germline): Likely pathogenic. Review status: criteria provided, single submitter (1 of 4 stars). 2 submissions from 2 submitters: Likely pathogenic (1). 1 of the submissions does not count toward it. Last evaluated 2016-02-18.

Conditions:
Pyruvate dehydrogenase E1-alpha deficiency (PDHAD). Also called: Ataxia, intermittent, with pyruvate dehydrogenase, or decarboxylase, deficiency; ATAXIA WITH LACTIC ACIDOSIS I; ATAXIA, INTERMITTENT, WITH PYRUVATE DEHYDROGENASE DEFICIENCY; ATAXIA, INTERMITTENT, WITH ABNORMAL PYRUVATE METABOLISM. Identifiers: Orphanet 79243, MedGen C1839413, MONDO:0010717, OMIM 312170.

Submissions (2):

GeneDx
Classification: Likely pathogenic. Last evaluated: 2016-02-18. Review status: criteria provided, single submitter. Criteria: GeneDx Variant Classification (06012015). Collection method: clinical testing. Allele origin: germline. Affected: yes.
Comment: The c.754 C>G variant in the PDHA1 gene has not been published as a pathogenic variant, nor has it been reported as a benign variant to our knowledge. The c.754 C>G variant was not observed in approximately 6500 individuals of European and African American ancestry in the NHLBI Exome Sequencing Project, indicating it is not a common benign variant in these populations. Furthermore, several in-silico splice prediction models support that c.754 C>G creates a cryptic donor site which may supplant the natural donor site and lead to abnormal gene splicing. The c.754 C>G nucleotide substitution may also result in a p.L252V missense substitution, which is a conservative amino acid substitution not likely to impact secondary protein structure as these residues share similar properties. The L252V substitution occurs at a position where amino acids with similar properties to Leucine and/or Valine are tolerated across species. In silico analysis is inconsistent in its predictions as to whether or not the L252V missense variant is damaging to the protein structure/function. In summary, we interpret the c.754 C>G variant as likely pathogenic; however, the possibility that it is benign cannot be excluded.

PDHA1 Study Group, University Children’s Hospital, Paracelsus Medical University
Classification: Likely pathogenic for Pyruvate dehydrogenase E1-alpha deficiency. Last evaluated: 2024-10-15. Review status: no assertion criteria provided. Collection method: research. Allele origin: germline. Affected: yes. Observed: 1 variant allele. Not counted in ClinVar's aggregate classification.
Comment: The NM_000284.3:c.754C>G (p.Leu252Val) substitution is a missense variant in PDHA1 gene. Last literature search: July 12, 2024. This variant is absent or extremely rare in population-based cohorts in the Genome Aggregation Database (gnomAD). Individuals harboring this variant presented with clinical features compatible with PDHA1-related PDHc deficiency. In summary, this variant meets criteria to be classified as likely pathogenic (LP) for PDHA1-related PDHc deficiency based on the ACMG/AMP criteria applied: PS3, PM1, PM2, PP3, BP4 (last assessment October 15, 2024).

Literature cited by the submitters: DOI 10.1093/brain/awaf430 (cited by PDHA1 Study Group, University Children’s Hospital, Paracelsus Medical University).

NM_000284.4(PDHA1):c.754C>G (p.Leu252Val)

Gene: PDHA1 (pyruvate dehydrogenase E1 subunit alpha 1; plus strand). Cytogenetic location: Xp22.12.
Variant type: single nucleotide variant.
Coding change: c.754C>G on transcript NM_000284.4 (MANE Select); coding-DNA position 754, C replaced by G.
Protein change: p.Leu252Val; replaces leucine 252 with valine.
Molecular consequence: missense variant.
Genome position (GRCh38, 1-based): chrX:19,355,499, C>G. VCF-style: chrX-19355499-C-G. GRCh37 (hg19) VCF-style: chrX-19373617-C-G.
Other names: c.868C>G, p.Leu290Val (NM_001173454.2); c.775C>G, p.Leu259Val (NM_001173455.2); c.661C>G, p.Leu221Val (NM_001173456.2); short protein forms L252V, L221V, L259V, L290V.
Identifiers: ClinVar variation 432082 (VCV000432082.3), dbSNP rs1555934383, ClinGen allele CA412394691.